The following is an entry in ClinVar:

ClinVar aggregate classification (germline): Uncertain significance (1 of 4 stars; one submission).

Conditions:
Episodic ataxia type 2 (EA2). Also called: ATAXIA, EPISODIC, WITH NYSTAGMUS; ATAXIA, FAMILIAL PAROXYSMAL; CEREBELLAR ATAXIA, PAROXYSMAL, ACETAZOLAMIDE-RESPONSIVE; CEREBELLOPATHY, HEREDITARY PAROXYSMAL; EPISODIC ATAXIA, NYSTAGMUS-ASSOCIATED; ACETAZOLAMIDE-RESPONSIVE HEREDITARY PAROXYSMAL CEREBELLAR ATAXIA. Identifiers: Orphanet 97, MedGen C1720416, MONDO:0007163, OMIM 108500.
Developmental and epileptic encephalopathy, 42 (DEE42A). Also called: Epileptic encephalopathy, early infantile, 42; DEVELOPMENTAL AND EPILEPTIC ENCEPHALOPATHY 42A; EPILEPTIC ENCEPHALOPATHY, EARLY INFANTILE, 42A. Identifiers: MedGen C4310716, MONDO:0014917, OMIM 617106.

Submission:

Labcorp Genetics (formerly Invitae), Labcorp
Classification: Uncertain significance for Developmental and epileptic encephalopathy, 42; Episodic ataxia type 2. Last evaluated: 2025-04-09. Review status: criteria provided, single submitter. Criteria: Invitae Variant Classification Sherloc (09022015). Collection method: clinical testing. Allele origin: germline.
Comment: This sequence change replaces glutamine, which is neutral and polar, with glutamic acid, which is acidic and polar, at codon 1553 of the CACNA1A protein (p.Gln1553Glu). This variant is present in population databases (no rsID available, gnomAD 0.0009%). This variant has not been reported in the literature in individuals affected with CACNA1A-related conditions. ClinVar contains an entry for this variant (Variation ID: 1969124). Invitae Evidence Modeling of protein sequence and biophysical properties (such as structural, functional, and spatial information, amino acid conservation, physicochemical variation, residue mobility, and thermodynamic stability) has been performed for this missense variant. However, the output from this modeling did not meet the statistical confidence thresholds required to predict the impact of this variant on CACNA1A protein function. In summary, the available evidence is currently insufficient to determine the role of this variant in disease. Therefore, it has been classified as a Variant of Uncertain Significance.

NM_001127222.2(CACNA1A):c.4654C>G (p.Gln1552Glu)

Gene: CACNA1A (calcium voltage-gated channel subunit alpha1 A; minus strand). Cytogenetic location: 19p13.13.
Variant type: single nucleotide variant.
Coding change: c.4654C>G on transcript NM_001127222.2 (MANE Select); coding-DNA position 4654, C replaced by G.
Protein change: p.Gln1552Glu; replaces glutamine 1552 with glutamic acid.
Molecular consequence: missense variant.
Genome position (GRCh38, 1-based): chr19:13,255,196, G>C on the plus strand (C>G on the coding strand, the complement: CACNA1A is on the minus strand). VCF-style: chr19-13255196-G-C. GRCh37 (hg19) VCF-style: chr19-13366010-G-C.
Other names: c.4666C>G, p.Gln1556Glu (NM_000068.4, NM_023035.3); c.4657C>G, p.Gln1553Glu (NM_001127221.2, NM_001174080.2); short protein forms Q1552E, Q1553E, Q1556E.
Identifiers: ClinVar variation 1969124 (VCV001969124.5), dbSNP rs1212697390, ClinGen allele CA404338551.